The following is an entry in ClinVar:

ClinVar aggregate classification (germline): Uncertain significance (1 of 4 stars; one submission).

Conditions:
Cardiovascular phenotype. Identifiers: MedGen CN230736.

Submission:

Ambry Genetics
Classification: Uncertain significance for Cardiovascular phenotype. Last evaluated: 2021-10-18. Review status: criteria provided, single submitter. Criteria: Ambry Variant Classification Scheme 2023. Collection method: clinical testing. Allele origin: germline.
Comment: The p.P739T variant (also known as c.2215C>A), located in coding exon 17 of the ABCC9 gene, results from a C to A substitution at nucleotide position 2215. The proline at codon 739 is replaced by threonine, an amino acid with highly similar properties. This amino acid position is highly conserved in available vertebrate species. In addition, this alteration is predicted to be tolerated by in silico analysis. Since supporting evidence is limited at this time, the clinical significance of this alteration remains unclear.

NM_020297.4(ABCC9):c.2215C>A (p.Pro739Thr)

Gene: ABCC9 (ATP binding cassette subfamily C member 9; minus strand). Cytogenetic location: 12p12.1.
Variant type: single nucleotide variant.
Coding change: c.2215C>A on transcript NM_020297.4 (MANE Select); coding-DNA position 2215, C replaced by A.
Protein change: p.Pro739Thr; replaces proline 739 with threonine.
Molecular consequence: missense variant.
Genome position (GRCh38, 1-based): chr12:21,864,461, G>T on the plus strand (C>A on the coding strand, the complement: ABCC9 is on the minus strand). VCF-style: chr12-21864461-G-T. GRCh37 (hg19) VCF-style: chr12-22017395-G-T.
Other names: c.2215C>A, p.Pro739Thr (NM_001377273.1, NM_005691.4); c.1351C>A, p.Pro451Thr (NM_001377274.1); short protein forms P451T, P739T.
Identifiers: ClinVar variation 1787821 (VCV001787821.2), dbSNP rs201223488, ClinGen allele CA384130497.
Genomic context (GRCh38, chr12:21,864,461, plus strand): 5'-TTATTCTTATTAAACTCAGGTTAAAATAGAAATAATACCTTCTGGTTGCTTCAAAAGAAG[G>T]CTCAGATTCATTTACACTGCAAGTATGGCAAACAATGTTCATTAATTATGAAGTAGAAAT-3'
Protein context (NP_064693.2, residues 729-749): VHWSNVNESE[Pro739Thr]SFEATRSRNR